The following is an entry in ClinVar:

NM_001283009.2(RTEL1):c.2653-6C>T

Genes: RTEL1-TNFRSF6B (RTEL1-TNFRSF6B readthrough (NMD candidate); plus strand), RTEL1 (regulator of telomere elongation helicase 1; plus strand). Cytogenetic location: 20q13.33.
Variant type: single nucleotide variant.
Coding change: c.2653-6C>T on transcript NM_001283009.2 (MANE Select); 6 bases into the intron before coding-DNA position 2653, C replaced by T.
Molecular consequence: intron variant.
Genome position (GRCh38, 1-based): chr20:63,692,799, C>T. VCF-style: chr20-63692799-C-T. GRCh37 (hg19) VCF-style: chr20-62324152-C-T.
Other names: c.2725-6C>T (NM_032957.4, NM_032957.5); c.1984-6C>T (NM_001283010.1); c.2653-6C>T (NM_016434.4).
Identifiers: ClinVar variation 1134402 (VCV001134402.11), dbSNP rs1601181865, ClinGen allele CA2374932830.
Genomic context (GRCh38, chr20:63,692,799, plus strand): 5'-CTCTGCAGCCCCAGGGACCAGATGATGAGGCTGGCCCTGATGGAGCCTCGGGCCTGTGTC[C>T]TGCAGGAGGAGCCCGTGGCTGGTGCACAGACGGACAGGGCCAAGCTCTTCATGGTGGCCG-3'

ClinVar aggregate classification (germline): Likely benign. Review status: criteria provided, single submitter (1 of 4 stars). 2 submissions from 2 submitters: Likely benign (1). 1 of the submissions does not count toward it. Last evaluated 2025-04-07.

Conditions:
RTEL1-related disorder. Also called: RTEL1-related disorders; RTEL1-related condition.
Pulmonary fibrosis and/or bone marrow failure, Telomere-related, 3. Also called: PULMONARY FIBROSIS AND/OR BONE MARROW FAILURE SYNDROME, TELOMERE-RELATED, 3. Identifiers: Orphanet 2032, MedGen C4225346, MONDO:0014613, OMIM 616373.
Dyskeratosis congenita, autosomal recessive 5 (DKCB5). Identifiers: MedGen C3554656, MONDO:0014076, OMIM 615190.

Submissions (2):

Labcorp Genetics (formerly Invitae), Labcorp
Classification: Likely benign for Dyskeratosis congenita, autosomal recessive 5; Pulmonary fibrosis and/or bone marrow failure, Telomere-related, 3. Last evaluated: 2025-04-07. Review status: criteria provided, single submitter. Criteria: Invitae Variant Classification Sherloc (09022015). Collection method: clinical testing. Allele origin: germline.

PreventionGenetics, part of Exact Sciences
Classification: Likely benign for RTEL1-related condition. Last evaluated: 2020-08-26. Review status: no assertion criteria provided. Collection method: clinical testing. Allele origin: germline. Not counted in ClinVar's aggregate classification.
Comment: This variant is classified as likely benign based on ACMG/AMP sequence variant interpretation guidelines (Richards et al. 2015 PMID: 25741868, with internal and published modifications).